The following is an entry in ClinVar:

ClinVar aggregate classification (germline): Benign/Likely benign. Review status: criteria provided, multiple submitters, no conflicts (2 of 4 stars). 3 submissions from 3 submitters: Benign (2); Likely benign (1). Last evaluated 2026-02-04.

Conditions:
Infantile liver failure syndrome 1 (ILFS1). Identifiers: Orphanet 370088, MedGen C3809522, MONDO:0024568, OMIM 615438.

Allele frequency attached by ClinVar (database versions not stated): 1000 Genomes Project 30x 0.00500; TOPMed 0.00543; 1000 Genomes Project 0.00559; ESP Exome Variant Server 0.00638; gnomAD 0.00678 and 0.00727; gnomAD exomes 0.00850 and 0.00883; ExAC 0.00871.
gnomAD v4.1: 13,710 of 1,586,928 alleles (0.86%); highest among the groups gnomAD compares: Middle Eastern, 2.2%; 105 homozygotes.

Submissions (3):

Labcorp Genetics (formerly Invitae), Labcorp
Classification: Benign. Last evaluated: 2026-02-04. Review status: criteria provided, single submitter. Criteria: Invitae Variant Classification Sherloc (09022015). Collection method: clinical testing. Allele origin: germline.

Fulgent Genetics
Classification: Likely benign for Infantile liver failure syndrome 1. Last evaluated: 2022-04-14. Review status: criteria provided, single submitter. Criteria: ACMG Guidelines, 2015. Collection method: clinical testing. Allele origin: unknown.

GeneDx
Classification: Benign. Last evaluated: 2013-09-10. Review status: criteria provided, single submitter. Criteria: GeneDx Variant Classification (06012015). Collection method: clinical testing. Allele origin: germline. Affected: yes.
Comment: This variant is considered likely benign or benign based on one or more of the following criteria: it is a conservative change, it occurs at a poorly conserved position in the protein, it is predicted to be benign by multiple in silico algorithms, and/or has population frequency not consistent with disease.

NM_020117.11(LARS1):c.2212+13T>C

Gene: LARS1 (leucyl-tRNA synthetase 1; minus strand). Cytogenetic location: 5q32.
Variant type: single nucleotide variant.
Coding change: c.2212+13T>C on transcript NM_020117.11 (MANE Select); 13 bases into the intron after coding-DNA position 2212, T replaced by C.
Molecular consequence: intron variant.
Genome position (GRCh38, 1-based): chr5:146,135,588, A>G on the plus strand (T>C on the coding strand, the complement: LARS1 is on the minus strand). VCF-style: chr5-146135588-A-G. GRCh37 (hg19) VCF-style: chr5-145515151-A-G.
Other names: c.2050+13T>C (NM_001317965.2); c.2131+13T>C (NM_016460.4); c.2074+13T>C (NM_001317964.2).
Identifiers: ClinVar variation 138089 (VCV000138089.10), dbSNP rs114726414, ClinGen allele CA291889.
Genomic context (GRCh38, chr5:146,135,588, plus strand): 5'-CCAATTTTAACGTGTCTTCTATAATCTGAGAACTGGACCCTACAGAACAGCAATAAGAAA[A>G]ATGTTTACTCACCATCTGCTGAAAATTTGTCAATAGCTTGGGTCAAAGTGAGGAAGTTGC-3'